The following is an entry in ClinVar:

NM_000719.7(CACNA1C):c.5740A>C (p.Ile1914Leu)

Genes: CACNA1C (calcium voltage-gated channel subunit alpha1 C; plus strand), CACNA1C-AS1 (CACNA1C antisense RNA 1; minus strand). Cytogenetic location: 12p13.33.
Variant type: single nucleotide variant.
Coding change: c.5740A>C on transcript NM_000719.7 (MANE Select); coding-DNA position 5740, A replaced by C.
Protein change: p.Ile1914Leu; replaces isoleucine 1914 with leucine.
Molecular consequence: missense variant.
Genome position (GRCh38, 1-based): chr12:2,686,225, A>C. VCF-style: chr12-2686225-A-C. GRCh37 (hg19) VCF-style: chr12-2795391-A-C.
Other names: c.5884A>C, p.Ile1962Leu (NM_001129827.2); c.5863A>C, p.Ile1955Leu (NM_001129829.2); c.5845A>C, p.Ile1949Leu (NM_001129830.3, NM_001167624.3); c.5824A>C, p.Ile1942Leu (NM_001129831.2); c.5800A>C, p.Ile1934Leu (NM_001129832.2); c.5797A>C, p.Ile1933Leu (NM_001129833.2, NM_001129834.2, NM_001129835.2); c.5791A>C, p.Ile1931Leu (NM_001129836.2); c.5764A>C, p.Ile1922Leu (NM_001129837.2, NM_001129838.2); and 6 more; short protein forms I1997L, I1903L, I1911L, I1914L, I1931L, I1942L, I1920L, I1933L.
Identifiers: ClinVar variation 4999354 (VCV004999354.1).

ClinVar aggregate classification (germline): Uncertain significance (1 of 4 stars; one submission).

Conditions:
CACNA1C-related disorder. Also called: CACNA1C-related condition; CACNA1C-related disorders. Identifiers: MedGen CN381092, MONDO:0700321.

Submission:

PreventionGenetics, part of Exact Sciences
Classification: Uncertain significance for CACNA1C-related condition. Last evaluated: 2024-11-02. Review status: criteria provided, single submitter. Criteria: ACMG Guidelines, 2015. Collection method: clinical testing. Allele origin: germline.
Comment: The CACNA1C c.5740A>C variant is predicted to result in the amino acid substitution p.Ile1914Leu. To our knowledge, this variant has not been reported in the literature or in a large population database (gnomAD), indicating this variant is rare. At this time, the clinical significance of this variant is uncertain due to the absence of conclusive functional and genetic evidence.